The following is an entry in ClinVar:

ClinVar aggregate classification (germline): Uncertain significance. Review status: criteria provided, multiple submitters, no conflicts (2 of 4 stars). 2 submissions from 2 submitters: Uncertain significance (2). Last evaluated 2025-08-02.

Conditions:
SEMA3F-related disorder. Also called: SEMA3F-related condition.

Submissions (2):

Ambry Genetics
Classification: Uncertain significance. Last evaluated: 2025-08-02. Review status: criteria provided, single submitter. Criteria: Ambry Variant Classification Scheme 2023. Collection method: clinical testing. Allele origin: germline.

PreventionGenetics, part of Exact Sciences
Classification: Uncertain significance for SEMA3F-related condition. Last evaluated: 2025-03-12. Review status: criteria provided, single submitter. Criteria: ACMG Guidelines, 2015. Collection method: clinical testing. Allele origin: germline.
Comment: The SEMA3F c.2191G>T variant is predicted to result in the amino acid substitution p.Ala731Ser. To our knowledge, this variant has not been reported in the literature. This variant is reported in 0.0073% of alleles in individuals of African descent in gnomAD. At this time, the clinical significance of this variant is uncertain due to the absence of conclusive functional and genetic evidence.

NM_004186.5(SEMA3F):c.2191G>T (p.Ala731Ser)

Gene: SEMA3F (semaphorin 3F; plus strand). Cytogenetic location: 3p21.31.
Variant type: single nucleotide variant.
Coding change: c.2191G>T on transcript NM_004186.5 (MANE Select); coding-DNA position 2191, G replaced by T.
Protein change: p.Ala731Ser; replaces alanine 731 with serine.
Molecular consequence: missense variant.
Genome position (GRCh38, 1-based): chr3:50,187,948, G>T. VCF-style: chr3-50187948-G-T. GRCh37 (hg19) VCF-style: chr3-50225381-G-T.
Other names: c.2191G>T (NM_004186.4); c.1894G>T, p.Ala632Ser (NM_001318798.2); c.2098G>T, p.Ala700Ser (NM_001318800.2); short protein forms A632S, A700S, A731S.
Identifiers: ClinVar variation 4162129 (VCV004162129.2).
Genomic context (GRCh38, chr3:50,187,948, plus strand): 5'-TCCATGAGCGCCCCGCCACCCCCAGGCGCAGGCCCCCCAACGCCTCCTTACCAGGAGTTA[G>T]CCCAGCTGCTGGCCCAGCCAGAAGTGGGCCTCATCCACCAGTACTGCCAGGGTTACTGGC-3'
Protein context (NP_004177.3, residues 721-741): GPPTPPYQEL[Ala731Ser]QLLAQPEVGL